The following is an entry in ClinVar:

ClinVar aggregate classification (germline): Likely benign (1 of 4 stars; one submission).

Submission:

CeGaT Center for Human Genetics Tuebingen
Classification: Likely benign. Last evaluated: 2022-12-01. Review status: criteria provided, single submitter. Criteria: CeGaT Center For Human Genetics Tuebingen Variant Classification Criteria Version 2. Collection method: clinical testing. Allele origin: germline. Affected: yes. Observed: 1 variant allele.
Comment: CSTF2: BS2

NM_001325.3(CSTF2):c.1344_1358del (p.432ARAME[4])

Gene: CSTF2 (cleavage stimulation factor subunit 2; plus strand). Cytogenetic location: Xq22.1.
Variant type: Deletion.
Coding change: c.1344_1358del on transcript NM_001325.3 (MANE Select); coding-DNA positions 1344 to 1358, 15 bases deleted (AGCGATGGAGGCCCG).
Protein change: p.432ARAME[4].
Molecular consequence: inframe deletion.
Genome position (GRCh38, 1-based): chrX:100,833,316-100,833,330, AGCGATGGAGGCCCG deleted; deleting any 15 consecutive bases within chrX:100,833,305-100,833,330 gives the same sequence; the c. name uses the placement nearest the transcript's 3' end. VCF-style (leftmost placement, unchanged base first): chrX-100833304-AATGGAGGCCCGAGCG-A. GRCh37 (hg19) VCF-style: chrX-100088293-AATGGAGGCCCGAGCG-A.
Other names: c.1404_1418del, p.452ARAME[4] (NM_001306206.2); c.1293_1307del, p.415ARAME[4] (NM_001306209.2).
Identifiers: ClinVar variation 2661041 (VCV002661041.24), dbSNP rs772236747, ClinGen allele CA10470311.
Genomic context (GRCh38, chrX:100,833,304, plus strand): 5'-GTTAGATGCCAGAGGATTAGAGGCCCGTGCAATGGAGGCCCGTGCGATGGAAGCTCGTGC[AATGGAGGCCCGAGCG>A]ATGGAGGCCCGTGCAATGGAAGTCCGAGGGATGGAGGCCAGAGGCATGGATACCAGAGGC-3'